The following is an entry in ClinVar:

NM_020242.3(KIF15):c.1654T>C (p.Ser552Pro)

Gene: KIF15 (kinesin family member 15; plus strand). Cytogenetic location: 3p21.31.
Variant type: single nucleotide variant.
Coding change: c.1654T>C on transcript NM_020242.3 (MANE Select); coding-DNA position 1654, T replaced by C.
Protein change: p.Ser552Pro; replaces serine 552 with proline.
Molecular consequence: missense variant.
Genome position (GRCh38, 1-based): chr3:44,802,958, T>C. VCF-style: chr3-44802958-T-C. GRCh37 (hg19) VCF-style: chr3-44844450-T-C.
Other names: short protein forms S552P.
Identifiers: ClinVar variation 3341372 (VCV003341372.1).

ClinVar aggregate classification (germline): Uncertain significance (1 of 4 stars; one submission).

Conditions:
Braddock-carey syndrome 2. Identifiers: MedGen C5774189, MONDO:0859570, OMIM 619981.

Submission:

Neuberg Centre For Genomic Medicine, NCGM
Classification: Uncertain significance for Braddock-carey syndrome 2. Last evaluated: 2023-05-20. Review status: criteria provided, single submitter. Criteria: ACMG Guidelines, 2015. Collection method: clinical testing. Allele origin: germline. Inheritance: Autosomal recessive inheritance. Affected: yes.
Comment: The observed missense c.1654T>C (p.Ser552Pro) variant in KIF15 gene has not been reported previously as a pathogenic variant nor as a benign variant, to our knowledge. The p.Ser552Pro variant is absent in gnomAD Exomes database. This variant has not been submitted to the ClinVar database. Multiple lines of computational evidence (SIFT - tolerated; Polyphen - benign; MutationTaster - polymorphism) predict no damaging effect on protein structure and function for this variant. The amino acid change p.Ser552Pro in KIF15 is predicted as conserved by GERP++ and PhyloP across 100 vertebrates. The amino acid Ser at position 552 is changed to a Pro changing protein sequence and it might alter its composition and physico-chemical properties. For these reasons, this variant has been classified as a Variant of Uncertain Significance (VUS).